The following is an entry in ClinVar:

ClinVar aggregate classification (germline): Uncertain significance (1 of 4 stars; one submission).

Allele frequency attached by ClinVar (database versions not stated): TOPMed below 0.00001; ExAC 0.00001; gnomAD exomes 0.00001; ESP Exome Variant Server 0.00008.
gnomAD v4.1: 12 of 1,613,796 alleles (0.00074%); highest among the groups gnomAD compares: Non-Finnish European, 0.001%; no homozygotes.

Submission:

Labcorp Genetics (formerly Invitae), Labcorp
Classification: Uncertain significance. Last evaluated: 2021-08-28. Review status: criteria provided, single submitter. Criteria: Invitae Variant Classification Sherloc (09022015). Collection method: clinical testing. Allele origin: germline.
Comment: This sequence change replaces threonine with alanine at codon 609 of the PCLO protein (p.Thr609Ala). The threonine residue is moderately conserved and there is a small physicochemical difference between threonine and alanine. This variant is present in population databases (rs374237630, ExAC 0.001%). This variant has not been reported in the literature in individuals affected with PCLO-related conditions. Algorithms developed to predict the effect of missense changes on protein structure and function are either unavailable or do not agree on the potential impact of this missense change (SIFT: "Tolerated"; PolyPhen-2: "Not Available"; Align-GVGD: "Class C0"). In summary, the available evidence is currently insufficient to determine the role of this variant in disease. Therefore, it has been classified as a Variant of Uncertain Significance.

NM_033026.6(PCLO):c.1825A>G (p.Thr609Ala)

Gene: PCLO (piccolo presynaptic cytomatrix protein; minus strand). Cytogenetic location: 7q21.11.
Variant type: single nucleotide variant.
Coding change: c.1825A>G on transcript NM_033026.6 (MANE Select); coding-DNA position 1825, A replaced by G.
Protein change: p.Thr609Ala; replaces threonine 609 with alanine.
Molecular consequence: missense variant.
Genome position (GRCh38, 1-based): chr7:83,154,816, T>C on the plus strand (A>G on the coding strand, the complement: PCLO is on the minus strand). VCF-style: chr7-83154816-T-C. GRCh37 (hg19) VCF-style: chr7-82784132-T-C.
Other names: c.1825A>G, p.Thr609Ala (NM_014510.3); short protein forms T609A.
Identifiers: ClinVar variation 1368303 (VCV001368303.5), dbSNP rs374237630, ClinGen allele CA4321383.